The following is an entry in ClinVar:

ClinVar aggregate classification (germline): Benign. Review status: criteria provided, multiple submitters, no conflicts (2 of 4 stars). 2 submissions from 2 submitters: Benign (2). Last evaluated 2018-06-13.

Submissions (2):

GeneDx
Classification: Benign. Last evaluated: 2018-06-13. Review status: criteria provided, single submitter. Criteria: GeneDx Variant Classification (06012015). Collection method: clinical testing. Allele origin: germline. Affected: yes.
Comment: This variant is considered likely benign or benign based on one or more of the following criteria: it is a conservative change, it occurs at a poorly conserved position in the protein, it is predicted to be benign by multiple in silico algorithms, and/or has population frequency not consistent with disease.

Breakthrough Genomics
Classification: Benign. Review status: criteria provided, single submitter. Criteria: ACMG Guidelines, 2015. Collection method: not provided. Allele origin: germline. Inheritance: Autosomal recessive inheritance. Affected: yes.

NM_016239.4(MYO15A):c.8967+27C>G

Gene: MYO15A (myosin XVA; plus strand). Cytogenetic location: 17p11.2.
Variant type: single nucleotide variant.
Coding change: c.8967+27C>G on transcript NM_016239.4 (MANE Select); 27 bases into the intron after coding-DNA position 8967, C replaced by G.
Molecular consequence: intron variant.
Genome position (GRCh38, 1-based): chr17:18,157,927, C>G. VCF-style: chr17-18157927-C-G. GRCh37 (hg19) VCF-style: chr17-18061241-C-G.
Identifiers: ClinVar variation 682546 (VCV000682546.2), dbSNP rs1397235053, ClinGen allele CA625045121.
Genomic context (GRCh38, chr17:18,157,927, plus strand): 5'-AGCCGCTGCACAGGAGGTGGGCCGCAGGAGAGAGGTGAGACCAGTGTGGGTGGGGTGGGG[C>G]GGGGTAGACCAGGGGGAAGGGGCCGCTGCAGAAGGGGTGAGGCGAGTGGGGATAAGGTGG-3'